The following is an entry in ClinVar:

ClinVar aggregate classification (germline): Likely benign. Review status: criteria provided, multiple submitters, no conflicts (2 of 4 stars). 3 submissions from 3 submitters: Likely benign (3). Last evaluated 2025-11-04.

Conditions:
POLD1-related polyposis and colorectal cancer syndrome (CRCS10). Also called: Colorectal cancer 10; COLORECTAL CANCER, SUSCEPTIBILITY TO, ON CHROMOSOME 19q; Colorectal cancer, susceptibility to, 10. Identifiers: Orphanet 220460, MedGen C2675481, MONDO:0012953, OMIM 612591.
Hereditary cancer-predisposing syndrome. Also called: Tumor predisposition; Hereditary Cancer Syndrome; Hereditary neoplastic syndrome; Neoplastic Syndromes, Hereditary. Identifiers: Orphanet 140162, MedGen C0027672, MeSH D009386, MONDO:0015356.

Allele frequency attached by ClinVar (database versions not stated): TOPMed below 0.00001; ExAC 0.00001; gnomAD exomes 0.00001 and 0.00002.
gnomAD v4.1: 30 of 1,614,010 alleles (0.0019%); highest among the groups gnomAD compares: Non-Finnish European, 0.0024%; no homozygotes.

Submissions (3):

Labcorp Genetics (formerly Invitae), Labcorp
Classification: Likely benign for POLD1-related polyposis and colorectal cancer syndrome. Last evaluated: 2025-11-04. Review status: criteria provided, single submitter. Criteria: Invitae Variant Classification Sherloc (09022015). Collection method: clinical testing. Allele origin: germline.

GeneDx
Classification: Likely benign. Last evaluated: 2018-01-05. Review status: criteria provided, single submitter. Criteria: GeneDx Variant Classification (06012015). Collection method: clinical testing. Allele origin: germline. Affected: yes.
Comment: This variant is considered likely benign or benign based on one or more of the following criteria: it is a conservative change, it occurs at a poorly conserved position in the protein, it is predicted to be benign by multiple in silico algorithms, and/or has population frequency not consistent with disease.

Ambry Genetics
Classification: Likely benign for Hereditary cancer-predisposing syndrome. Last evaluated: 2017-01-20. Review status: criteria provided, single submitter. Criteria: Ambry Variant Classification Scheme 2023. Collection method: clinical testing. Allele origin: germline.

NM_002691.4(POLD1):c.399G>A (p.Glu133=)

Gene: POLD1 (DNA polymerase delta 1, catalytic subunit; plus strand). Cytogenetic location: 19q13.33.
Variant type: single nucleotide variant.
Coding change: c.399G>A on transcript NM_002691.4 (MANE Select); coding-DNA position 399, G replaced by A.
Protein change: p.Glu133=; no amino-acid change (glutamic acid 133 retained).
Molecular consequence: synonymous variant. On other transcripts: non-coding transcript variant (1).
Genome position (GRCh38, 1-based): chr19:50,401,860, G>A. VCF-style: chr19-50401860-G-A. GRCh37 (hg19) VCF-style: chr19-50905117-G-A.
Other names: c.399G>A, p.Glu133= (NM_001256849.1, NM_001308632.1).
Identifiers: ClinVar variation 484332 (VCV000484332.16), dbSNP rs757940686, ClinGen allele CA9595723.